The following is an entry in ClinVar:

ClinVar aggregate classification (germline): Conflicting classifications of pathogenicity. Review status: criteria provided, conflicting classifications (1 of 4 stars). 15 submissions from 15 submitters: Uncertain significance (2); Benign (3); Likely benign (8). 2 of the submissions do not count toward it. Last evaluated 2026-05-01.

Conditions:
Acute febrile neutrophilic dermatosis (AFND). Also called: Sweet Syndrome; Gomm Button disease. Identifiers: Orphanet 3243, MedGen C0085077, MONDO:0011959, OMIM 608068.
Autoinflammatory syndrome. Identifiers: Orphanet 93665, MedGen C3890737, MONDO:0019751.
Familial Mediterranean fever (FMF). Also called: Periodic peritonitis; Benign paroxysmal peritonitis; POLYSEROSITIS, FAMILIAL PAROXYSMAL; POLYSEROSITIS, RECURRENT. Identifiers: Orphanet 342, MedGen C0031069, MONDO:0018088, OMIM 249100. Disease mechanism: gain of function.
Familial Mediterranean fever, autosomal dominant. Also called: FMF, AUTOSOMAL DOMINANT; Dominant Familial Mediterranean Fever. Identifiers: Orphanet 342, MedGen C1851347, MONDO:0007601, OMIM 134610.
Inborn genetic diseases. Identifiers: MedGen C0950123, MeSH D030342.

Allele frequency attached by ClinVar (database versions not stated): 1000 Genomes Project 0.00439; TOPMed 0.00876; gnomAD exomes 0.01505 and 0.01068; gnomAD 0.00994 and 0.01021; 1000 Genomes Project 30x 0.00422; ExAC 0.01024; ESP Exome Variant Server 0.01077.

Submissions 1 to 11 of 15:

CeGaT Center for Human Genetics Tuebingen
Classification: Benign. Last evaluated: 2026-05-01. Review status: criteria provided, single submitter. Criteria: CeGaT Center For Human Genetics Tuebingen Variant Classification Criteria Version 2. Collection method: clinical testing. Allele origin: germline. Affected: yes. Observed: 50 variant alleles.
Comment: MEFV: PM5, BP4, BS1, BS2

Labcorp Genetics (formerly Invitae), Labcorp
Classification: Likely benign for Familial Mediterranean fever. Last evaluated: 2026-02-04. Review status: criteria provided, single submitter. Criteria: Invitae Variant Classification Sherloc (09022015). Collection method: clinical testing. Allele origin: germline.

ARUP Laboratories, Molecular Genetics and Genomics, ARUP Laboratories
Classification: Likely benign. Last evaluated: 2025-07-23. Review status: criteria provided, single submitter. Criteria: ARUP Molecular Germline Variant Investigation Process 2024. Collection method: clinical testing. Allele origin: germline.

Mayo Clinic Laboratories, Mayo Clinic
Classification: Likely benign. Last evaluated: 2025-05-21. Review status: criteria provided, single submitter. Criteria: ACMG Guidelines, 2015. Collection method: clinical testing. Allele origin: germline. Observed: 36 variant alleles.
Comment: BS1, BS2, BP4_moderate

Blueprint Genetics
Classification: Likely benign. Last evaluated: 2024-11-27. Review status: criteria provided, single submitter. Criteria: ACMG Guidelines, 2015. Collection method: clinical testing. Allele origin: germline.

Genome Diagnostics Laboratory, The Hospital for Sick Children
Classification: Benign for Autoinflammatory syndrome. Last evaluated: 2022-03-17. Review status: criteria provided, single submitter. Criteria: ACMG Guidelines, 2015. Collection method: clinical testing. Allele origin: germline. Affected: yes.

Women's Health and Genetics/Laboratory Corporation of America, LabCorp
Classification: Likely benign. Last evaluated: 2022-02-23. Review status: criteria provided, single submitter. Criteria: LabCorp Variant Classification Summary - May 2015. Collection method: clinical testing. Allele origin: germline.
Comment: Variant summary: MEFV c.1772T>C (p.Ile591Thr) results in a non-conservative amino acid change located in the B30.2/SPRY domain (IPR001870) of the encoded protein sequence. Four of five in-silico tools predict a benign effect of the variant on protein function. A recent report utilizing the meta predictor tool, REVEL (Rare Exome Variant Ensemble Learner) to assess the pathogenicity of MEFV variants with ambiguous classification proposed a likely benign outcome for this variant (Accetturo_2019). In this study, REVEL scores demonstrated a good correlation with the consensus classification of the International Study Group for Systemic Auto Inflammatory Diseases. The variant allele was found at a frequency of 0.011 in 285086 control chromosomes, including 24 homozygotes (gnomAD and publication data). It was predominantly found within the European Finnish and non-Finnish subpopulations at a frequency of 0.021 and 0.017, respectively. These frequencies are close to the maximum expected for a pathogenic variant in MEFV causing Familial Mediterranean Fever (0.022). Additionally, the variant was reported with even higher frequencies in the 1000 Genomes Project within the British (0.022) and Toscani (Italian) (0.0234) subpopulation, suggesting this variant is likely a benign polymorphism found primarily in the populations of European origin. This variant has been mostly reported in heterozygous state in patients with Familial Mediterranean Fever (FMF), together with limited reports of compound heterozygosity in multiple ethnicities, without strong evidence for causality (e.g. Fisher 2005, Ait-Idir 2011, Lainka 2012, Papa 2017, Gumus 2018, Stella 2019). Additionally, in a Spanish family, the variant did not co-segregate with the disease, suggestive of an incomplete penetrance or a mostly benign impact (Aldea 2002). In a recent study the variant was found in heterozygous state in a cohort of FMF patients with a similar allele frequency (0.0113), as it was reported in controls in the gnomAD database (Balta_2020). To our knowledge, no experimental evidence demonstrating an impact on protein function has been reported. Multiple clinical diagnostic laboratories and the Gene Reviews database have provided clinical-significance assessments for this variant in ClinVar after 2014 without evidence for independent evaluation, and classified the variant as pathogenic (n=1), VUS (n=4), likely benign (n=3) / benign (n=2). Based on the evidence outlined above, the variant was classified as likely benign.

Genome-Nilou Lab
Classification: Likely benign for Familial Mediterranean fever. Last evaluated: 2021-05-18. Review status: criteria provided, single submitter. Criteria: ACMG Guidelines, 2015. Collection method: clinical testing. Allele origin: germline. Affected: no.

GeneDx
Classification: Benign. Last evaluated: 2019-08-05. Review status: criteria provided, single submitter. Criteria: GeneDx Variant Classification Process June 2021. Collection method: clinical testing. Allele origin: germline. Affected: yes.
Comment: In silico analysis, which includes protein predictors and evolutionary conservation, supports that this variant does not alter protein structure/function; This variant is associated with the following publications: (PMID: 30476289, 29239128, 28748511, 29735907, 28191008, 29047407, 28386255, 28236224, 27943240, 28624931, 28302131, 28631068, 29178647, 28194777, 28158814, 27535533, 21228398, 16255051, 11464238, 17665427, 26299986, 20041150, 22995991, 16100353, 20721559, 12124996)

Centre for Mendelian Genomics, University Medical Centre Ljubljana
Classification: Uncertain significance for Acute febrile neutrophilic dermatosis. Last evaluated: 2018-12-06. Review status: criteria provided, single submitter. Criteria: ACMG Guidelines, 2015. Collection method: clinical testing. Allele origin: unknown. Affected: yes.
Comment: This variant was classified as: Uncertain significance. The available evidence on this variant's pathogenicity is insufficient or conflicting. The following ACMG criteria were applied in classifying this variant: BP4.

Ambry Genetics
Classification: Uncertain significance for Inborn genetic diseases. Last evaluated: 2016-09-07. Review status: criteria provided, single submitter. Criteria: Ambry Variant Classification Scheme 2023. Collection method: clinical testing. Allele origin: germline.
Comment: The p.I591T variant (also known as c.1772T>C), located in coding exon 9 of the MEFV gene, results from a T to C substitution at nucleotide position 1772. The isoleucine at codon 591 is replaced by threonine, an amino acid with similar properties. The p.I591T alteration was confirmed to be in trans (on the opposite chromosomes) with the p.M694I mutation; In a study of 71 unrelated patients with a clinical diagnosis of familial Mediterranean fever (FMF), one patient was found to carry both p.I591T alteration and the p.M694I mutation, however the phase (cis vs. trans) was not described (Ait-Idir D et al. Rheumatology (Oxford), 2011 Dec;50:2306-10). In a recent study of clinical and genetic features of adults with autoinflammatory disease, one patient with FMF was heterozygous for this alteration and a benign polymorphism in MEFV; a second patient, with a primary diagnosis of tumor necrosis factor-receptor associated periodic syndrome (TRAPS) was also heterozygous for p.I591T, was reported to have clinical overlap with FMF, and was responsive to colchicine treatment (Hern&aacute;ndez-Rodr&iacute;guez J et al. Autoimmun Rev, 2016 Jan;15:9-15). This variant was previously reported in the SNPDatabase as rs11466045. Based on data from the 1000 Genomes Project, the C allele has an overall frequency of approximately 0.76% (16/2098) total alleles studied. The highest observed frequency was 3.57% (1/28) Spanish alleles. Based on data from the NHLBI Exome Sequencing Project (ESP), the C allele has an overall frequency of approximately 1.08% (140/12994) total alleles studied, having been observed in 0.2% (9/4394) African American alleles and 1.52% (131/8600) European American alleles. This amino acid position is poorly conserved in available vertebrate species. In addition, in silico predictors for this gene do not accurately predict pathogenicity. Since supporting evidence is conflicting at this time, the clinical significance of this alteration remains unclear.

NM_000243.3(MEFV):c.1772T>C (p.Ile591Thr)

Genes: MEFV (MEFV innate immunity regulator, pyrin; minus strand), LOC126862264 (CDK7 strongly-dependent group 2 enhancer GRCh37_chr16:3293322-3294521; plus strand). Cytogenetic location: 16p13.3.
Variant type: single nucleotide variant.
Coding change: c.1772T>C on transcript NM_000243.3 (MANE Select); coding-DNA position 1772, T replaced by C.
Protein change: p.Ile591Thr; replaces isoleucine 591 with threonine.
Molecular consequence: missense variant. On other transcripts: synonymous variant (1).
Genome position (GRCh38, 1-based): chr16:3,243,880, A>G on the plus strand (T>C on the coding strand, the complement: MEFV is on the minus strand). VCF-style: chr16-3243880-A-G. GRCh37 (hg19) VCF-style: chr16-3293880-A-G.
Other names: c.1314T>C, p.Asp438= (NM_001198536.2).
Identifiers: ClinVar variation 36506 (VCV000036506.86), dbSNP rs11466045, ClinGen allele CA280263.
Genomic context (GRCh38, chr16:3,243,880, plus strand): 5'-CCAGCAGGCCAGGGCCACTTGCCTTGATCTGGGCACTTACCAGCATGTGCCTGAGCGCCA[A>G]TCAGCTCCGGAACTACGGAGAAAAATCAGATAGGGAAAAAAATCCTGAGCATTAGCATTA-3'
Protein context (NP_000234.1, residues 581-601): EMEMFNVPEL[Ile591Thr]GAQAHAVNVI